The following is an entry in ClinVar:

ClinVar aggregate classification (germline): Uncertain significance (1 of 4 stars; one submission).

gnomAD v4.1: 9 of 1,614,006 alleles (0.00056%); no homozygotes.

Submission:

Labcorp Genetics (formerly Invitae), Labcorp
Classification: Uncertain significance. Last evaluated: 2024-03-05. Review status: criteria provided, single submitter. Criteria: Invitae Variant Classification Sherloc (09022015). Collection method: clinical testing. Allele origin: germline.
Comment: This sequence change replaces cysteine, which is neutral and slightly polar, with phenylalanine, which is neutral and non-polar, at codon 371 of the DBR1 protein (p.Cys371Phe). This variant is not present in population databases (gnomAD no frequency). This variant has not been reported in the literature in individuals affected with DBR1-related conditions. An algorithm developed to predict the effect of missense changes on protein structure and function (PolyPhen-2) suggests that this variant is likely to be disruptive. In summary, the available evidence is currently insufficient to determine the role of this variant in disease. Therefore, it has been classified as a Variant of Uncertain Significance.

NM_016216.4(DBR1):c.1112G>T (p.Cys371Phe)

Gene: DBR1 (debranching RNA lariats 1; minus strand). Cytogenetic location: 3q22.3.
Variant type: single nucleotide variant.
Coding change: c.1112G>T on transcript NM_016216.4 (MANE Select); coding-DNA position 1112, G replaced by T.
Protein change: p.Cys371Phe; replaces cysteine 371 with phenylalanine.
Molecular consequence: missense variant.
Genome position (GRCh38, 1-based): chr3:138,162,412, C>A on the plus strand (G>T on the coding strand, the complement: DBR1 is on the minus strand). VCF-style: chr3-138162412-C-A. GRCh37 (hg19) VCF-style: chr3-137881254-C-A.
Other names: short protein forms C371F.
Identifiers: ClinVar variation 3702258 (VCV003702258.2).